The following is an entry in ClinVar:

ClinVar aggregate classification (germline): Uncertain significance (1 of 4 stars; one submission).

Conditions:
Autosomal dominant hypocalcemia 1 (HYPOC1). Also called: HYPOCALCEMIA, FAMILIAL. Identifiers: MedGen C3715128, MONDO:0011013, OMIM 601198.
Familial hypocalciuric hypercalcemia (FHH). Also called: Familial benign hypercalcemia. Identifiers: Orphanet 405, MedGen C1809471, MONDO:0018458.

Submission:

Labcorp Genetics (formerly Invitae), Labcorp
Classification: Uncertain significance for Familial hypocalciuric hypercalcemia; Autosomal dominant hypocalcemia 1. Last evaluated: 2024-12-11. Review status: criteria provided, single submitter. Criteria: Invitae Variant Classification Sherloc (09022015). Collection method: clinical testing. Allele origin: germline.
Comment: This sequence change replaces cysteine, which is neutral and slightly polar, with tyrosine, which is neutral and polar, at codon 542 of the CASR protein (p.Cys542Tyr). This variant is not present in population databases (gnomAD no frequency). This missense change has been observed in individual(s) with clinical features of hypocalciuric hypercalcemia (PMID: 30407919). An algorithm developed to predict the effect of missense changes on protein structure and function (PolyPhen-2) suggests that this variant is likely to be disruptive. In summary, the available evidence is currently insufficient to determine the role of this variant in disease. Therefore, it has been classified as a Variant of Uncertain Significance.

Literature cited by the submitters: PubMed 30407919.

NM_000388.4(CASR):c.1625G>A (p.Cys542Tyr)

Gene: CASR (calcium sensing receptor; plus strand). Cytogenetic location: 3q21.1.
Variant type: single nucleotide variant.
Coding change: c.1625G>A on transcript NM_000388.4 (MANE Select); coding-DNA position 1625, G replaced by A.
Protein change: p.Cys542Tyr; replaces cysteine 542 with tyrosine.
Molecular consequence: missense variant.
Genome position (GRCh38, 1-based): chr3:122,282,129, G>A. VCF-style: chr3-122282129-G-A. GRCh37 (hg19) VCF-style: chr3-122000976-G-A.
Other names: c.1655G>A, p.Cys552Tyr (NM_001178065.2); short protein forms C542Y, C552Y.
Identifiers: ClinVar variation 3761381 (VCV003761381.2).